The following is an entry in ClinVar:

NM_002381.5(MATN3):c.160C>A (p.Pro54Thr)

Gene: MATN3 (matrilin 3; minus strand). Cytogenetic location: 2p24.1.
Variant type: single nucleotide variant.
Coding change: c.160C>A on transcript NM_002381.5 (MANE Select); coding-DNA position 160, C replaced by A.
Protein change: p.Pro54Thr; replaces proline 54 with threonine.
Molecular consequence: missense variant.
Genome position (GRCh38, 1-based): chr2:20,012,472, G>T on the plus strand (C>A on the coding strand, the complement: MATN3 is on the minus strand). VCF-style: chr2-20012472-G-T. GRCh37 (hg19) VCF-style: chr2-20212233-G-T.
Other names: short protein forms P54T.
Identifiers: ClinVar variation 898676 (VCV000898676.9), dbSNP rs1008273355, ClinGen allele CA43408027.
Genomic context (GRCh38, chr2:20,012,472, plus strand): 5'-CACCGCGGGCGCGGCCAGGCTCGCTGGTCCCGGAAGCGGGCGCGCCGTCGGGAGCCGCAG[G>T]AGAGGGGCGGCGTCCAGGGCTGCCCCCGGGACCTCGGGTCTCCAGCCTCCGGAAGCCCGG-3'
Protein context (NP_002372.1, residues 44-64): PGGSPGRRPS[Pro54Thr]AAPDGAPASG

ClinVar aggregate classification (germline): Uncertain significance. Review status: criteria provided, multiple submitters, no conflicts (2 of 4 stars). 3 submissions from 3 submitters: Uncertain significance (3). Last evaluated 2025-12-11.

Conditions:
Multiple epiphyseal dysplasia type 5 (EDM5). Also called: MATN3-Related Multiple Epiphyseal Dysplasia; Microepiphyseal dysplasia, bilateral hereditary. Identifiers: Orphanet 93311, MedGen C1846843, MONDO:0011765, OMIM 607078.
Inborn genetic diseases. Identifiers: MedGen C0950123, MeSH D030342.

Allele frequency attached by ClinVar (database versions not stated): gnomAD exomes 0.00001; TOPMed 0.00003.
gnomAD v4.1: 28 of 1,229,084 alleles (0.0023%); highest among the groups gnomAD compares: African/African-American, 0.036%; no homozygotes.

Submissions (3):

Ambry Genetics
Classification: Uncertain significance for Inborn genetic diseases. Last evaluated: 2025-12-11. Review status: criteria provided, single submitter. Criteria: Ambry Variant Classification Scheme 2023. Collection method: clinical testing. Allele origin: germline.

Labcorp Genetics (formerly Invitae), Labcorp
Classification: Uncertain significance. Last evaluated: 2025-05-27. Review status: criteria provided, single submitter. Criteria: Invitae Variant Classification Sherloc (09022015). Collection method: clinical testing. Allele origin: germline.
Comment: This sequence change replaces proline, which is neutral and non-polar, with threonine, which is neutral and polar, at codon 54 of the MATN3 protein (p.Pro54Thr). This variant is present in population databases (no rsID available, gnomAD 0.06%). This variant has not been reported in the literature in individuals affected with MATN3-related conditions. ClinVar contains an entry for this variant (Variation ID: 898676). An algorithm developed to predict the effect of missense changes on protein structure and function (PolyPhen-2) suggests that this variant is likely to be tolerated. In summary, the available evidence is currently insufficient to determine the role of this variant in disease. Therefore, it has been classified as a Variant of Uncertain Significance.

Illumina Laboratory Services, Illumina
Classification: Uncertain significance for Multiple epiphyseal dysplasia type 5. Last evaluated: 2018-01-13. Review status: criteria provided, single submitter. Criteria: ICSL Variant Classification Criteria 13 December 2019. Collection method: clinical testing. Allele origin: germline.